The following is an entry in ClinVar:

ClinVar aggregate classification (germline): Uncertain significance. Review status: criteria provided, multiple submitters, no conflicts (2 of 4 stars). 2 submissions from 2 submitters: Uncertain significance (2). Last evaluated 2022-04-06.

Conditions:
Cardiovascular phenotype. Identifiers: MedGen CN230736.
Dilated cardiomyopathy 1KK (CMD1KK). Identifiers: Orphanet 154, Orphanet 75249, MedGen C3714995, MONDO:0014100, OMIM 615248.

gnomAD v4.1: 1 of 1,614,014 alleles (0.000062%); no homozygotes.

Submissions (2):

Ambry Genetics
Classification: Uncertain significance for Cardiovascular phenotype. Last evaluated: 2022-04-06. Review status: criteria provided, single submitter. Criteria: Ambry Variant Classification Scheme 2023. Collection method: clinical testing. Allele origin: germline.
Comment: The p.P689L variant (also known as c.2066C>T), located in coding exon 10 of the MYPN gene, results from a C to T substitution at nucleotide position 2066. The proline at codon 689 is replaced by leucine, an amino acid with similar properties. This amino acid position is conserved. In addition, this alteration is predicted to be tolerated by in silico analysis. Since supporting evidence is limited at this time, the clinical significance of this alteration remains unclear.

Labcorp Genetics (formerly Invitae), Labcorp
Classification: Uncertain significance for Dilated cardiomyopathy 1KK. Last evaluated: 2022-03-19. Review status: criteria provided, single submitter. Criteria: Invitae Variant Classification Sherloc (09022015). Collection method: clinical testing. Allele origin: germline.
Comment: In summary, the available evidence is currently insufficient to determine the role of this variant in disease. Therefore, it has been classified as a Variant of Uncertain Significance. Algorithms developed to predict the effect of missense changes on protein structure and function are either unavailable or do not agree on the potential impact of this missense change (SIFT: "Deleterious"; PolyPhen-2: "Benign"; Align-GVGD: "Class C15"). ClinVar contains an entry for this variant (Variation ID: 477746). This variant has not been reported in the literature in individuals affected with MYPN-related conditions. This variant is not present in population databases (gnomAD no frequency). This sequence change replaces proline, which is neutral and non-polar, with leucine, which is neutral and non-polar, at codon 689 of the MYPN protein (p.Pro689Leu).

NM_032578.4(MYPN):c.2066C>T (p.Pro689Leu)

Gene: MYPN (myopalladin; plus strand). Cytogenetic location: 10q21.3.
Variant type: single nucleotide variant.
Coding change: c.2066C>T on transcript NM_032578.4 (MANE Select); coding-DNA position 2066, C replaced by T.
Protein change: p.Pro689Leu; replaces proline 689 with leucine.
Molecular consequence: missense variant. On other transcripts: non-coding transcript variant (2).
Genome position (GRCh38, 1-based): chr10:68,174,158, C>T. VCF-style: chr10-68174158-C-T. GRCh37 (hg19) VCF-style: chr10-69933915-C-T.
Other names: c.2066C>T, p.Pro689Leu (NM_001256267.2); c.1184C>T, p.Pro395Leu (NM_001256268.2); short protein forms P689L, P395L.
Identifiers: ClinVar variation 477746 (VCV000477746.10), dbSNP rs1554846787, ClinGen allele CA376844234.
Genomic context (GRCh38, chr10:68,174,158, plus strand): 5'-AAGTCTTACTGGAACAACACCAATTGCAAAACCCACCTCCTTCATCTCCTAAGGAGTTTC[C>T]TTTCAGCATGACTGTTTTGAACTCCAATGCTCCCCCAGCGGTGACAACATCCAGTAAGCA-3'
Protein context (NP_115967.2, residues 679-699): NPPPSSPKEF[Pro689Leu]FSMTVLNSNA